The following is an entry in ClinVar:

ClinVar aggregate classification (germline): Uncertain significance (1 of 4 stars; one submission).

Submission:

GeneDx
Classification: Uncertain significance. Last evaluated: 2023-04-12. Review status: criteria provided, single submitter. Criteria: GeneDx Variant Classification Process June 2021. Collection method: clinical testing. Allele origin: germline. Affected: yes.
Comment: Not observed at significant frequency in large population cohorts (gnomAD); Has not been previously published as pathogenic or benign to our knowledge; In silico analysis is inconclusive as to whether the variant alters gene splicing. In the absence of RNA/functional studies, the actual effect of this sequence change is unknown.

NM_001003694.2(BRPF1):c.3324+5G>A

Gene: BRPF1 (bromodomain and PHD finger containing 1; plus strand). Cytogenetic location: 3p25.3.
Variant type: single nucleotide variant.
Coding change: c.3324+5G>A on transcript NM_001003694.2 (MANE Select); 5 bases into the intron after coding-DNA position 3324, G replaced by A.
Molecular consequence: intron variant.
Genome position (GRCh38, 1-based): chr3:9,745,935, G>A. VCF-style: chr3-9745935-G-A. GRCh37 (hg19) VCF-style: chr3-9787619-G-A.
Other names: c.3321+5G>A (NM_001410704.1); c.3306+5G>A (NM_004634.3); c.3021+5G>A (NM_001319049.2); c.3303+5G>A (NM_001319050.2).
Identifiers: ClinVar variation 3343071 (VCV003343071.1).
Genomic context (GRCh38, chr3:9,745,935, plus strand): 5'-ATGCTCTGGACCTCGTGTGGGCCAAATGCCGAGGCTATCCATCATACCCAGCTCTGGTAT[G>A]CTTGCTTCTGTTACACTTCTTGCTTTCCAATCCCAGAATACAGATTCACAGTTAGCAGAC-3'